The following is an entry in ClinVar:

NM_017763.6(RNF43):c.1468G>A (p.Val490Ile)

Gene: RNF43 (ring finger protein 43; minus strand). Cytogenetic location: 17q22.
Variant type: single nucleotide variant.
Coding change: c.1468G>A on transcript NM_017763.6 (MANE Select); coding-DNA position 1468, G replaced by A.
Protein change: p.Val490Ile; replaces valine 490 with isoleucine.
Molecular consequence: missense variant.
Genome position (GRCh38, 1-based): chr17:58,358,308, C>T on the plus strand (G>A on the coding strand, the complement: RNF43 is on the minus strand). VCF-style: chr17-58358308-C-T. GRCh37 (hg19) VCF-style: chr17-56435669-C-T.
Other names: c.1468G>A, p.Val490Ile (NM_001305544.3); c.1087G>A, p.Val363Ile (NM_001305545.2); short protein forms V363I, V490I.
Identifiers: ClinVar variation 2891704 (VCV002891704.4), dbSNP rs758316406, ClinGen allele CA8673174.

ClinVar aggregate classification (germline): Conflicting classifications of pathogenicity. Review status: criteria provided, conflicting classifications (1 of 4 stars). 2 submissions from 2 submitters: Uncertain significance (1); Likely benign (1). Last evaluated 2025-11-09.

Allele frequency attached by ClinVar (database versions not stated): ExAC 0.00001.
gnomAD v4.1: 16 of 1,614,146 alleles (0.00099%); highest among the groups gnomAD compares: Non-Finnish European, 0.0013%; no homozygotes.

Submissions (2):

Labcorp Genetics (formerly Invitae), Labcorp
Classification: Uncertain significance. Last evaluated: 2025-11-09. Review status: criteria provided, single submitter. Criteria: Invitae Variant Classification Sherloc (09022015). Collection method: clinical testing. Allele origin: germline.
Comment: This sequence change replaces valine, which is neutral and non-polar, with isoleucine, which is neutral and non-polar, at codon 490 of the RNF43 protein (p.Val490Ile). This variant is present in population databases (rs758316406, gnomAD 0.0009%). This variant has not been reported in the literature in individuals affected with RNF43-related conditions. ClinVar contains an entry for this variant (Variation ID: 2891704). An algorithm developed to predict the effect of missense changes on protein structure and function outputs the following: PolyPhen-2: "Benign". The isoleucine amino acid residue is found in multiple mammalian species, which suggests that this missense change does not adversely affect protein function. In summary, the available evidence is currently insufficient to determine the role of this variant in disease. Therefore, it has been classified as a Variant of Uncertain Significance.

Ambry Genetics
Classification: Likely benign. Last evaluated: 2024-11-28. Review status: criteria provided, single submitter. Criteria: Ambry Variant Classification Scheme 2023. Collection method: clinical testing. Allele origin: germline.